The following is an entry in ClinVar:

NM_001034853.2(RPGR):c.1600C>T (p.Gln534Ter)

Gene: RPGR (retinitis pigmentosa GTPase regulator; minus strand). Cytogenetic location: Xp11.4.
Variant type: single nucleotide variant.
Coding change: c.1600C>T on transcript NM_001034853.2 (MANE Select); coding-DNA position 1600, C replaced by T.
Protein change: p.Gln534Ter; replaces glutamine 534 with a stop codon.
Molecular consequence: nonsense. On other transcripts: non-coding transcript variant (1), intron variant (5).
Genome position (GRCh38, 1-based): chrX:38,288,014, G>A on the plus strand (C>T on the coding strand, the complement: RPGR is on the minus strand). VCF-style: chrX-38288014-G-A. GRCh37 (hg19) VCF-style: chrX-38147267-G-A.
Other names: c.1600C>T, p.Gln534Ter (NM_000328.3); c.1597C>T, p.Gln533Ter (NM_001367245.1); c.1414C>T, p.Gln472Ter (NM_001367246.1); c.1569+2945C>T (NM_001367249.1, NM_001367250.1); c.1386+2945C>T (NM_001367251.1); c.1572+2945C>T (NM_001367247.1); c.1602+2945C>T (NM_001367248.1); short protein forms Q472*, Q533*, Q534*.
Identifiers: ClinVar variation 2152336 (VCV002152336.5), dbSNP rs2519798907, ClinGen allele CA412737481.

ClinVar aggregate classification (germline): Pathogenic. Review status: criteria provided, multiple submitters, no conflicts (2 of 4 stars). 2 submissions from 2 submitters: Pathogenic (2). Last evaluated 2024-03-29.

Conditions:
Primary ciliary dyskinesia. Also called: Ciliary dyskinesia. Identifiers: Orphanet 244, MedGen C0008780, MONDO:0016575, HP:0012265.
Retinitis pigmentosa 3. Also called: CHOROIDORETINAL DEGENERATION WITH RETINAL REFLEX IN HETEROZYGOUS WOMEN. Identifiers: Orphanet 791, MedGen C1845667, MONDO:0010227, OMIM 300029.

Submissions (2):

Genomic Medicine Center of Excellence, King Faisal Specialist Hospital and Research Centre
Classification: Pathogenic for Retinitis pigmentosa 3. Last evaluated: 2024-03-29. Review status: criteria provided, single submitter. Criteria: ACMG Guidelines, 2015. Collection method: clinical testing. Allele origin: germline.

Labcorp Genetics (formerly Invitae), Labcorp
Classification: Pathogenic for Primary ciliary dyskinesia. Last evaluated: 2023-12-11. Review status: criteria provided, single submitter. Criteria: Invitae Variant Classification Sherloc (09022015). Collection method: clinical testing. Allele origin: germline.
Comment: This sequence change creates a premature translational stop signal (p.Gln534*) in the RPGR gene. It is expected to result in an absent or disrupted protein product. Loss-of-function variants in RPGR are known to be pathogenic (PMID: 16055928, 16969763). This variant is not present in population databases (gnomAD no frequency). This premature translational stop signal has been observed in individual(s) with clinical features of RPGR-related conditions (PMID: 30105367). ClinVar contains an entry for this variant (Variation ID: 2152336). For these reasons, this variant has been classified as Pathogenic.

Literature cited by the submitters: PubMed 16055928 (cited by Labcorp Genetics (formerly Invitae), Labcorp); PubMed 16969763 (cited by Labcorp Genetics (formerly Invitae), Labcorp); PubMed 30105367 (cited by Labcorp Genetics (formerly Invitae), Labcorp).